The following is an entry in ClinVar:

ClinVar aggregate classification (germline): Benign/Likely benign. Review status: criteria provided, multiple submitters, no conflicts (2 of 4 stars). 6 submissions from 6 submitters: Benign (3); Likely benign (2). 1 of the submissions does not count toward it. Last evaluated 2026-02-02.

Conditions:
Autosomal recessive congenital ichthyosis 3 (ARCI3). Also called: ICHTHYOSIS, LAMELLAR, 5. Identifiers: MedGen C3539888, MONDO:0011680, OMIM 606545.

Allele frequency attached by ClinVar (database versions not stated): gnomAD 0.00230 and 0.00289; TOPMed 0.00280; 1000 Genomes Project 30x 0.00500; ExAC 0.00558; 1000 Genomes Project 0.00559.

Submissions (6):

Labcorp Genetics (formerly Invitae), Labcorp
Classification: Benign. Last evaluated: 2026-02-02. Review status: criteria provided, single submitter. Criteria: Invitae Variant Classification Sherloc (09022015). Collection method: clinical testing. Allele origin: germline.

CeGaT Center for Human Genetics Tuebingen
Classification: Benign. Last evaluated: 2023-03-01. Review status: criteria provided, single submitter. Criteria: CeGaT Center For Human Genetics Tuebingen Variant Classification Criteria Version 2. Collection method: clinical testing. Allele origin: germline. Affected: yes. Observed: 2 variant alleles.
Comment: ALOXE3: BS1, BS2

Women's Health and Genetics/Laboratory Corporation of America, LabCorp
Classification: Likely benign. Last evaluated: 2021-12-10. Review status: criteria provided, single submitter. Criteria: LabCorp Variant Classification Summary - May 2015. Collection method: clinical testing. Allele origin: germline.

Illumina Laboratory Services, Illumina
Classification: Benign for Autosomal recessive congenital ichthyosis 3. Last evaluated: 2018-01-13. Review status: criteria provided, single submitter. Criteria: ICSL Variant Classification Criteria 13 December 2019. Collection method: clinical testing. Allele origin: germline.
Comment: This variant was observed in the ICSL laboratory as part of a predisposition screen in an ostensibly healthy population. It had not been previously curated by ICSL or reported in the Human Gene Mutation Database (HGMD: prior to June 1st, 2018), and was therefore a candidate for classification through an automated scoring system. Utilizing variant allele frequency, disease prevalence and penetrance estimates, and inheritance mode, an automated score was calculated to assess if this variant is too frequent to cause the disease. Based on the score and internal cut-off values, a variant classified as benign is not then subjected to further curation. The score for this variant resulted in a classification of benign for this disease.

Breakthrough Genomics
Classification: Likely benign. Review status: criteria provided, single submitter. Criteria: ACMG Guidelines, 2015. Collection method: not provided. Allele origin: germline. Inheritance: Autosomal recessive inheritance. Affected: yes.

OMIM
Classification: Uncertain significance for RECLASSIFIED - VARIANT OF UNKNOWN SIGNIFICANCE. Last evaluated: 2009-06-01. Review status: no assertion criteria provided. Collection method: literature only. Allele origin: germline. Not counted in ClinVar's aggregate classification.

Literature cited by the submitters: PubMed 19131948 (cited by OMIM); PubMed 16116617 (cited by OMIM).

NM_021628.3(ALOXE3):c.709T>A (p.Leu237Met)

Gene: ALOXE3 (arachidonate epidermal lipoxygenase 3; minus strand). Cytogenetic location: 17p13.1.
Variant type: single nucleotide variant.
Coding change: c.709T>A on transcript NM_021628.3 (MANE Select); coding-DNA position 709, T replaced by A.
Protein change: p.Leu237Met; replaces leucine 237 with methionine.
Molecular consequence: missense variant.
Genome position (GRCh38, 1-based): chr17:8,112,168, A>T on the plus strand (T>A on the coding strand, the complement: ALOXE3 is on the minus strand). VCF-style: chr17-8112168-A-T. GRCh37 (hg19) VCF-style: chr17-8015486-A-T.
Other names: c.1105T>A, p.Leu369Met (NM_001165960.1); c.706T>A, p.Leu236Met (NM_001369446.1); short protein forms L237M, L369M, L236M.
Identifiers: ClinVar variation 3410 (VCV000003410.39), dbSNP rs121434235, ClinGen allele CA116202.